The following is an entry in ClinVar:

NM_001429.4(EP300):c.2224C>G (p.Pro742Ala)

Gene: EP300 (EP300 lysine acetyltransferase; plus strand). Cytogenetic location: 22q13.2.
Variant type: single nucleotide variant.
Coding change: c.2224C>G on transcript NM_001429.4 (MANE Select); coding-DNA position 2224, C replaced by G.
Protein change: p.Pro742Ala; replaces proline 742 with alanine.
Molecular consequence: missense variant.
Genome position (GRCh38, 1-based): chr22:41,147,929, C>G. VCF-style: chr22-41147929-C-G. GRCh37 (hg19) VCF-style: chr22-41543933-C-G.
Other names: c.2146C>G, p.Pro716Ala (NM_001362843.2); short protein forms P716A, P742A.
Identifiers: ClinVar variation 2653198 (VCV002653198.24), dbSNP rs2145734352, ClinGen allele CA411690189.

ClinVar aggregate classification (germline): Uncertain significance (1 of 4 stars; one submission).

Submission:

CeGaT Center for Human Genetics Tuebingen
Classification: Uncertain significance. Last evaluated: 2022-05-01. Review status: criteria provided, single submitter. Criteria: CeGaT Center For Human Genetics Tuebingen Variant Classification Criteria Version 2. Collection method: clinical testing. Allele origin: germline. Affected: yes. Observed: 1 variant allele.
Comment: EP300: PM2, BP4